The following is an entry in ClinVar:

ClinVar aggregate classification (germline): Likely pathogenic (1 of 4 stars; one submission).

gnomAD v4.1: 29 of 1,605,930 alleles (0.0018%); highest among the groups gnomAD compares: Non-Finnish European, 0.0025%; no homozygotes.

Submission:

GeneDx
Classification: Likely pathogenic. Last evaluated: 2025-04-10. Review status: criteria provided, single submitter. Criteria: GeneDx Variant Classification Process June 2021. Collection method: clinical testing. Allele origin: germline.
Comment: Not observed at significant frequency in large population cohorts (gnomAD); In silico analysis supports that this missense variant has a deleterious effect on protein structure/function; This variant is associated with the following publications: (PMID: 30131190, 33060286, 33879512, 38327621)

NM_004826.4(ECEL1):c.589G>A (p.Gly197Ser)

Gene: ECEL1 (endothelin converting enzyme like 1; minus strand). Cytogenetic location: 2q37.1.
Variant type: single nucleotide variant.
Coding change: c.589G>A on transcript NM_004826.4 (MANE Select); coding-DNA position 589, G replaced by A.
Protein change: p.Gly197Ser; replaces glycine 197 with serine.
Molecular consequence: missense variant.
Genome position (GRCh38, 1-based): chr2:232,486,065, C>T on the plus strand (G>A on the coding strand, the complement: ECEL1 is on the minus strand). VCF-style: chr2-232486065-C-T. GRCh37 (hg19) VCF-style: chr2-233350775-C-T.
Other names: c.589G>A, p.Gly197Ser (NM_001290787.2); short protein forms G197S.
Identifiers: ClinVar variation 3340601 (VCV003340601.2).